The following is an entry in ClinVar:

NM_024649.5(BBS1):c.1600_1601delinsGC (p.Phe534Ala)

Genes: BBS1 (Bardet-Biedl syndrome 1; plus strand), ZDHHC24 (zDHHC palmitoyltransferase 24; minus strand). Cytogenetic location: 11q13.2.
Variant type: Indel.
Coding change: c.1600_1601delinsGC on transcript NM_024649.5 (MANE Select); coding-DNA positions 1600 to 1601, TT replaced by GC.
Protein change: p.Phe534Ala; replaces phenylalanine 534 with alanine.
Molecular consequence: missense variant. On other transcripts: intron variant (1).
Genome position (GRCh38, 1-based): chr11:66,531,020-66,531,021, TT replaced by GC. VCF-style: chr11-66531020-TT-GC. GRCh37 (hg19) VCF-style: chr11-66298491-TT-GC.
Other names: c.560-1533_560-1532delinsGC (NM_001348571.2); short protein forms F534A.
Identifiers: ClinVar variation 1474821 (VCV001474821.5), dbSNP rs2134837535, ClinGen allele CA2573147576.

ClinVar aggregate classification (germline): Uncertain significance. Review status: criteria provided, multiple submitters, no conflicts (2 of 4 stars). 2 submissions from 2 submitters: Uncertain significance (2). Last evaluated 2026-03-03.

Conditions:
BBS1-related disorder. Also called: BBS1-related condition.
Bardet-Biedl syndrome (BBS). Identifiers: Orphanet 110, MedGen C0752166, MONDO:0015229.

Submissions (2):

PreventionGenetics, part of Exact Sciences
Classification: Uncertain significance for BBS1-related condition. Last evaluated: 2026-03-03. Review status: criteria provided, single submitter. Criteria: ACMG Guidelines, 2015. Collection method: clinical testing. Allele origin: germline.
Comment: The BBS1 c.1600_1601delinsGC variant is predicted to result in an in-frame deletion and insertion. This variant has been previously reported in the heterozygous state, along with two homozygous BBS12 missense variants, in two siblings with Bardet-Biedl syndrome (Figure 2C, Billingsley et al 2010. PubMed ID: 20472660). This variant has not been reported in a large population database (gnomAD), indicating this variant is rare. At this time, the clinical significance of this variant is uncertain due to the absence of conclusive functional and genetic evidence.

Labcorp Genetics (formerly Invitae), Labcorp
Classification: Uncertain significance for Bardet-Biedl syndrome. Last evaluated: 2022-09-27. Review status: criteria provided, single submitter. Criteria: Invitae Variant Classification Sherloc (09022015). Collection method: clinical testing. Allele origin: germline.
Comment: This sequence change replaces phenylalanine, which is neutral and non-polar, with alanine, which is neutral and non-polar, at codon 534 of the BBS1 protein (p.Phe534Ala). This variant is present in population databases (no rsID available, gnomAD 0.2%). This variant has not been reported in the literature in individuals affected with BBS1-related conditions. ClinVar contains an entry for this variant (Variation ID: 1474821). Algorithms developed to predict the effect of missense changes on protein structure and function are either unavailable or do not agree on the potential impact of this missense change (SIFT: "Not Available"; PolyPhen-2: "Benign"; Align-GVGD: "Not Available"). In summary, the available evidence is currently insufficient to determine the role of this variant in disease. Therefore, it has been classified as a Variant of Uncertain Significance.